The following is an entry in ClinVar:

ClinVar aggregate classification (germline): Uncertain significance (1 of 4 stars; one submission).

Allele frequency attached by ClinVar (database versions not stated): gnomAD exomes below 0.00001; gnomAD 0.00001; TOPMed 0.00002.

Submission:

Labcorp Genetics (formerly Invitae), Labcorp
Classification: Uncertain significance. Last evaluated: 2024-07-15. Review status: criteria provided, single submitter. Criteria: Invitae Variant Classification Sherloc (09022015). Collection method: clinical testing. Allele origin: germline.
Comment: This sequence change replaces serine, which is neutral and polar, with glycine, which is neutral and non-polar, at codon 170 of the GNAT2 protein (p.Ser170Gly). This variant is present in population databases (no rsID available, gnomAD 0.003%). This variant has not been reported in the literature in individuals affected with GNAT2-related conditions. ClinVar contains an entry for this variant (Variation ID: 1061200). Advanced modeling of protein sequence and biophysical properties (such as structural, functional, and spatial information, amino acid conservation, physicochemical variation, residue mobility, and thermodynamic stability) performed at Invitae indicates that this missense variant is not expected to disrupt GNAT2 protein function with a negative predictive value of 80%. In summary, the available evidence is currently insufficient to determine the role of this variant in disease. Therefore, it has been classified as a Variant of Uncertain Significance.

NM_001377295.2(GNAT2):c.508A>G (p.Ser170Gly)

Gene: GNAT2 (G protein subunit alpha transducin 2; minus strand). Cytogenetic location: 1p13.3.
Variant type: single nucleotide variant.
Coding change: c.508A>G on transcript NM_001377295.2 (MANE Select); coding-DNA position 508, A replaced by G.
Protein change: p.Ser170Gly; replaces serine 170 with glycine.
Molecular consequence: missense variant.
Genome position (GRCh38, 1-based): chr1:109,606,390, T>C on the plus strand (A>G on the coding strand, the complement: GNAT2 is on the minus strand). VCF-style: chr1-109606390-T-C. GRCh37 (hg19) VCF-style: chr1-110149012-T-C.
Other names: c.508A>G, p.Ser170Gly (NM_001379232.1, NM_005272.5); short protein forms S170G.
Identifiers: ClinVar variation 1061200 (VCV001061200.5), dbSNP rs1028161660, ClinGen allele CA28676465.